The following is an entry in ClinVar:

NM_206937.2(LIG4):c.2148_2151del (p.Lys717fs)

Gene: LIG4 (DNA ligase 4; minus strand). Cytogenetic location: 13q33.3.
Variant type: Deletion.
Coding change: c.2148_2151del on transcript NM_206937.2 (MANE Select); coding-DNA positions 2148 to 2151, 4 bases deleted (TAAA; older notation c.2148_2151delTAAA).
Protein change: p.Lys717fs; shifts the reading frame from lysine 717.
Molecular consequence: frameshift variant.
Genome position (GRCh38, 1-based): chr13:108,209,118-108,209,121, TTTA deleted on the plus strand (TAAA on the coding strand, the reverse complement: LIG4 is on the minus strand); deleting any 4 consecutive bases within chr13:108,209,118-108,209,124 gives the same sequence; the c. name uses the placement nearest the transcript's 3' end. VCF-style (leftmost placement, unchanged base first): chr13-108209117-GTTTA-G. GRCh37 (hg19) VCF-style: chr13-108861465-GTTTA-G.
Other names: c.2148_2151del, p.Lys717fs (NM_001098268.2, NM_001352598.2, NM_001352599.2 and 6 more transcripts); c.1947_1950del, p.Lys650fs (NM_001330595.2); c.2184_2187del, p.Lys729fs (NM_001352604.2); short protein forms K650fs, K717fs, K729fs.
Identifiers: ClinVar variation 4771663 (VCV004771663.1).

ClinVar aggregate classification (germline): Pathogenic (1 of 4 stars; one submission).

Conditions:
DNA ligase IV deficiency. Identifiers: Orphanet 99812, MedGen C1847827, MONDO:0011686, OMIM 606593.

Submission:

Labcorp Genetics (formerly Invitae), Labcorp
Classification: Pathogenic for DNA ligase IV deficiency. Last evaluated: 2026-01-04. Review status: criteria provided, single submitter. Criteria: Invitae Variant Classification Sherloc (09022015). Collection method: clinical testing. Allele origin: germline.
Comment: This sequence change creates a premature translational stop signal (p.Lys717Metfs*10) in the LIG4 gene. While this is not anticipated to result in nonsense mediated decay, it is expected to disrupt the last 195 amino acid(s) of the LIG4 protein. This variant is present in population databases (rs754546751, gnomAD 0.0009%). This variant has not been reported in the literature in individuals affected with LIG4-related conditions. This variant disrupts a region of the LIG4 protein in which other variant(s) (p.Gln904*) have been determined to be pathogenic (PMID: 34630384). This suggests that this is a clinically significant region of the protein, and that variants that disrupt it are likely to be disease-causing. For these reasons, this variant has been classified as Pathogenic.

Literature cited by the submitters: PubMed 34630384.